The following is an entry in ClinVar:

ClinVar aggregate classification (germline): Conflicting classifications of pathogenicity. Review status: criteria provided, conflicting classifications (1 of 4 stars). 6 submissions from 6 submitters: Uncertain significance (4); Likely benign (2). Last evaluated 2026-09-16.

Conditions:
TTN-related disorder. Also called: TTN-related condition; TTN-related disease; TTN-related disorders.
Cardiovascular phenotype. Identifiers: MedGen CN230736.
Autosomal recessive limb-girdle muscular dystrophy type 2J (LGMDR10). Also called: Limb-girdle muscular dystrophy, type 2J; MUSCULAR DYSTROPHY, LIMB-GIRDLE, AUTOSOMAL RECESSIVE 10. Identifiers: Orphanet 140922, MedGen C1837342, MONDO:0012127, OMIM 608807.
Dilated cardiomyopathy 1G (CMD1G). Identifiers: Orphanet 154, MedGen C1858763, MONDO:0011400, OMIM 604145.

Allele frequency attached by ClinVar (database versions not stated): ExAC 0.00002; gnomAD 0.00002 and 0.00003; gnomAD exomes 0.00004; TOPMed 0.00005; 1000 Genomes Project 30x 0.00016; 1000 Genomes Project 0.00020.
gnomAD v4.1: 65 of 1,613,928 alleles (0.004%); highest among the groups gnomAD compares: Admixed American, 0.0083%; no homozygotes.

Submissions (6):

PreventionGenetics, part of Exact Sciences
Classification: Uncertain significance for TTN-related condition. Last evaluated: 2026-09-16. Review status: criteria provided, single submitter. Criteria: ACMG Guidelines, 2015. Collection method: clinical testing. Allele origin: germline.
Comment: The TTN c.6478A>G variant is predicted to result in the amino acid substitution p.Thr2160Ala. This variant has been reported in an individual with dilated cardiomyopathy (DCM) who had a family history of DCM and sudden death (Table S1, Pugh et al. 2014. PubMed ID: 24503780). This variant is reported in 0.011% of alleles in individuals of Latino descent in gnomAD and has conflicting interpretations in ClinVar ranging from likely benign to uncertain (Variation ID: 47315). At this time, the clinical significance of this variant is uncertain due to the absence of conclusive functional and genetic evidence.

Ambry Genetics
Classification: Likely benign for Cardiovascular phenotype. Last evaluated: 2020-06-09. Review status: criteria provided, single submitter. Criteria: Ambry Variant Classification Scheme 2023. Collection method: clinical testing. Allele origin: germline.

GeneDx
Classification: Likely benign. Last evaluated: 2019-12-18. Review status: criteria provided, single submitter. Criteria: GeneDx Variant Classification Process June 2021. Collection method: clinical testing. Allele origin: germline. Affected: yes.

Labcorp Genetics (formerly Invitae), Labcorp
Classification: Uncertain significance for Dilated cardiomyopathy 1G; Autosomal recessive limb-girdle muscular dystrophy type 2J. Last evaluated: 2017-07-25. Review status: criteria provided, single submitter. Criteria: Invitae Variant Classification Sherloc (09022015). Collection method: clinical testing. Allele origin: germline.

Eurofins Ntd Llc (ga)
Classification: Uncertain significance. Last evaluated: 2017-05-19. Review status: criteria provided, single submitter. Criteria: EGL Classification Definitions 2015. Collection method: clinical testing. Allele origin: germline. Observed: 1 variant allele, 1 heterozygote.

Laboratory for Molecular Medicine, Mass General Brigham Personalized Medicine
Classification: Uncertain significance. Last evaluated: 2012-03-22. Review status: criteria provided, single submitter. Criteria: LMM Criteria. Collection method: clinical testing. Allele origin: germline. Observed: 1 variant allele.
Comment: The Thr2160Ala variant (TTN) has not been reported in the literature nor previou sly identified by our laboratory. Computational analyses (biochemical amino acid properties, AlignGVGD, PolyPhen2, and SIFT) do not provide strong support for o r against an impact to the protein. However, zebrafish carries the mutant amino acid alanine (Ala) at this position, raising doubt as to whether this change can cause disease. Furthermore, the TTN gene is strongly associated with DCM based on the high prevalence of loss-of-function variants (Herman 2012), but the role of missense variants is unclear. In summary, additional information is needed t o fully assess the clinical significance of the Thr2160Ala variant.

Literature cited by the submitters: PubMed 24503780 (cited by Ambry Genetics).

NM_001267550.2(TTN):c.6478A>G (p.Thr2160Ala)

Gene: TTN (titin; minus strand). Cytogenetic location: 2q31.2.
Variant type: single nucleotide variant.
Coding change: c.6478A>G on transcript NM_001267550.2 (MANE Select); coding-DNA position 6478, A replaced by G.
Protein change: p.Thr2160Ala; replaces threonine 2160 with alanine.
Molecular consequence: missense variant.
Genome position (GRCh38, 1-based): chr2:178,775,386, T>C on the plus strand (A>G on the coding strand, the complement: TTN is on the minus strand). VCF-style: chr2-178775386-T-C. GRCh37 (hg19) VCF-style: chr2-179640113-T-C.
Other names: c.6478A>G, p.Thr2160Ala (NM_133378.4, NM_001256850.1, NM_133379.5); c.6340A>G, p.Thr2114Ala (NM_003319.4, NM_133432.3, NM_133437.4); short protein forms T2160A, T2114A.
Identifiers: ClinVar variation 47315 (VCV000047315.18), dbSNP rs397517693, ClinGen allele CA140658.